The following is an entry in ClinVar:

ClinVar aggregate classification (germline): Likely pathogenic (1 of 4 stars; one submission).

Conditions:
Autosomal recessive limb-girdle muscular dystrophy type 2J (LGMDR10). Also called: Limb-girdle muscular dystrophy, type 2J; MUSCULAR DYSTROPHY, LIMB-GIRDLE, AUTOSOMAL RECESSIVE 10. Identifiers: Orphanet 140922, MedGen C1837342, MONDO:0012127, OMIM 608807.
Dilated cardiomyopathy 1G (CMD1G). Identifiers: Orphanet 154, MedGen C1858763, MONDO:0011400, OMIM 604145.

Submission:

Labcorp Genetics (formerly Invitae), Labcorp
Classification: Likely pathogenic for Dilated cardiomyopathy 1G; Autosomal recessive limb-girdle muscular dystrophy type 2J. Last evaluated: 2025-07-27. Review status: criteria provided, single submitter. Criteria: Invitae Variant Classification Sherloc (09022015). Collection method: clinical testing. Allele origin: germline.
Comment: This sequence change affects an acceptor splice site in intron 65 of the TTN gene. It is expected to disrupt RNA splicing and likely results in a truncated or disrupted TTN protein. This variant is not present in population databases (gnomAD no frequency). This variant has not been reported in the literature in individuals affected with TTN-related conditions. Algorithms developed to predict the effect of sequence changes on RNA splicing suggest that this variant may disrupt the consensus splice site. This variant is located in the I band of TTN (PMID: 25589632). Truncating variants in this region have been reported in individuals affected with autosomal recessive centronuclear myopathy (PMID: 23975875, internal data). Truncating variants in this region have also been identified in individuals affected with autosomal dominant dilated cardiomyopathy and/or cardio-related conditions (PMID: 27869827, 32964742, internal data). In summary, the currently available evidence indicates that the variant is pathogenic, but additional data are needed to prove that conclusively. Therefore, this variant has been classified as Likely Pathogenic.

Literature cited by the submitters: PubMed 25589632; PubMed 23975875; PubMed 27869827; PubMed 32964742.

NM_001267550.2(TTN):c.19148-2A>G

Gene: TTN (titin; minus strand). Cytogenetic location: 2q31.2.
Variant type: single nucleotide variant.
Coding change: c.19148-2A>G on transcript NM_001267550.2 (MANE Select); the canonical splice acceptor site of the intron before coding-DNA position 19148, A replaced by G.
Molecular consequence: splice acceptor variant. On other transcripts: intron variant (3).
Genome position (GRCh38, 1-based): chr2:178,728,780, T>C on the plus strand (A>G on the coding strand, the complement: TTN is on the minus strand). VCF-style: chr2-178728780-T-C. GRCh37 (hg19) VCF-style: chr2-179593507-T-C.
Other names: c.13282+9302A>G (NM_003319.4); c.13858+9302A>G (NM_133437.4); c.13657+9302A>G (NM_133432.3); c.15416-2A>G (NM_133378.4); c.18197-2A>G (NM_001256850.1).
Identifiers: ClinVar variation 4791788 (VCV004791788.1).